The following is an entry in ClinVar:

ClinVar aggregate classification (germline): Likely pathogenic (1 of 4 stars; one submission).

Conditions:
Autosomal dominant nonsyndromic hearing loss 22. Also called: DFNA 22; Autosomal dominant nonsyndromic deafness 22. Identifiers: Orphanet 228012, MedGen C2931767, MONDO:0011660, OMIM 606346.

Submission:

Institute of Rare Diseases, West China Hospital, Sichuan University
Classification: Likely pathogenic for Autosomal dominant nonsyndromic hearing loss 22. Last evaluated: 2025-01-09. Review status: criteria provided, single submitter. Criteria: ClinGen HL ACMG Specifications v1. Collection method: research. Allele origin: germline. Affected: yes.
Comment: PVS1;PM2_Supporting

NM_004999.4(MYO6):c.2677G>T (p.Glu893Ter)

Gene: MYO6 (myosin VI; plus strand). Cytogenetic location: 6q14.1.
Variant type: single nucleotide variant.
Coding change: c.2677G>T on transcript NM_004999.4 (MANE Select); coding-DNA position 2677, G replaced by T.
Protein change: p.Glu893Ter; replaces glutamic acid 893 with a stop codon.
Molecular consequence: nonsense. On other transcripts: non-coding transcript variant (1).
Genome position (GRCh38, 1-based): chr6:75,890,075, G>T. VCF-style: chr6-75890075-G-T. GRCh37 (hg19) VCF-style: chr6-76599792-G-T.
Other names: c.2677G>T, p.Glu893Ter (NM_001300899.2, NM_001368136.1, NM_001368137.1 and 2 more transcripts); c.2662G>T, p.Glu888Ter (NM_001368138.1); short protein forms E888*, E893*.
Identifiers: ClinVar variation 3601437 (VCV003601437.1).